The following is an entry in ClinVar:

ClinVar aggregate classification (germline): Pathogenic (1 of 4 stars; one submission).

Conditions:
Neurofibromatosis, type 1 (NF1). Also called: VON RECKLINGHAUSEN DISEASE; NEUROFIBROMATOSIS, TYPE I, SOMATIC; Peripheral type neurofibromatosis; Neurofibromatosis, type I. Identifiers: Orphanet 636, MedGen C0027831, MONDO:0018975, OMIM 162200. Disease mechanism: loss of function.

gnomAD v4.1: 1 of 1,612,622 alleles (0.000062%); highest among the groups gnomAD compares: Non-Finnish European, 0.000085%; no homozygotes.

Submission:

Labcorp Genetics (formerly Invitae), Labcorp
Classification: Pathogenic for Neurofibromatosis, type 1. Last evaluated: 2024-04-22. Review status: criteria provided, single submitter. Criteria: Invitae Variant Classification Sherloc (09022015). Collection method: clinical testing. Allele origin: germline.
Comment: This sequence change replaces leucine, which is neutral and non-polar, with arginine, which is basic and polar, at codon 2277 of the NF1 protein (p.Leu2277Arg). This variant is not present in population databases (gnomAD no frequency). This missense change has been observed in individual(s) with clinical features of NF1-related condition (Invitae). In at least one individual the variant was observed to be de novo. Advanced modeling of protein sequence and biophysical properties (such as structural, functional, and spatial information, amino acid conservation, physicochemical variation, residue mobility, and thermodynamic stability) performed at Invitae indicates that this missense variant is expected to disrupt NF1 protein function with a positive predictive value of 95%. For these reasons, this variant has been classified as Pathogenic.

NM_001042492.3(NF1):c.6893T>G (p.Leu2298Arg)

Gene: NF1 (neurofibromin 1; plus strand). Cytogenetic location: 17q11.2.
Variant type: single nucleotide variant.
Coding change: c.6893T>G on transcript NM_001042492.3 (MANE Select); coding-DNA position 6893, T replaced by G.
Protein change: p.Leu2298Arg; replaces leucine 2298 with arginine.
Molecular consequence: missense variant.
Genome position (GRCh38, 1-based): chr17:31,338,777, T>G. VCF-style: chr17-31338777-T-G. GRCh37 (hg19) VCF-style: chr17-29665795-T-G.
Other names: c.6830T>G, p.Leu2277Arg (NM_000267.4); short protein forms L2298R, L2277R.
Identifiers: ClinVar variation 3722696 (VCV003722696.2).